The following is an entry in ClinVar:

ClinVar aggregate classification (germline): Conflicting classifications of pathogenicity. Review status: criteria provided, conflicting classifications (1 of 4 stars). 15 submissions from 15 submitters: Uncertain significance (3); Likely benign (11). 1 of the submissions does not count toward it. Last evaluated 2026-04-19.

Conditions:
ATM-related disorder. Also called: ATM-related disorders; ATM-related condition.
ATM-related cancer predisposition. Also called: ATM-related cancer susceptibility. Identifiers: MedGen CN377759, MONDO:0700270.
Breast and/or ovarian cancer. Identifiers: MedGen CN221562.
Hereditary cancer-predisposing syndrome. Also called: Tumor predisposition; Neoplastic Syndromes, Hereditary; Hereditary neoplastic syndrome; Hereditary Cancer Syndrome. Identifiers: Orphanet 140162, MedGen C0027672, MeSH D009386, MONDO:0015356.
Ataxia-telangiectasia syndrome (AT). Also called: Ataxia-telangiectasia, complementation group D; AT, COMPLEMENTATION GROUP C; Cerebello-oculocutaneous telangiectasia; Immunodeficiency with ataxia telangiectasia; ATAXIA-TELANGIECTASIA, COMPLEMENTATION GROUP A; ATAXIA-TELANGIECTASIA, FRESNO VARIANT. Identifiers: Orphanet 100, MedGen C0004135, MONDO:0008840, OMIM 208900.
Familial cancer of breast. Also called: BREAST CANCER, FAMILIAL; Hereditary breast cancer; hereditary breast carcinoma. Identifiers: Orphanet 227535, MedGen C0346153, MONDO:0016419, OMIM 114480. Disease mechanism: loss of function.
Malignant tumor of breast. Also called: Malignant breast neoplasm; Cancer breast. Identifiers: MedGen C0006142, MONDO:0007254. Disease mechanism: loss of function.

Allele frequency attached by ClinVar (database versions not stated): 1000 Genomes Project 0.00040; gnomAD 0.00003 and 0.00010; TOPMed 0.00004; ESP Exome Variant Server 0.00008; gnomAD exomes 0.00010 and 0.00019; ExAC 0.00021; 1000 Genomes Project 30x 0.00031.
gnomAD v4.1: 164 of 1,614,104 alleles (0.01%); highest among the groups gnomAD compares: South Asian, 0.15%; 3 homozygotes.

Submissions (15):

PreventionGenetics, part of Exact Sciences
Classification: Likely benign for ATM-related condition. Last evaluated: 2026-04-19. Review status: criteria provided, single submitter. Criteria: ACMG Guidelines, 2015. Collection method: clinical testing. Allele origin: germline.
Comment: This variant is classified as likely benign based on ACMG/AMP sequence variant interpretation guidelines (Richards et al. 2015 PMID: 25741868, with internal and published modifications).

Dasa
Classification: Likely benign for ATM-related cancer predisposition. Last evaluated: 2026-03-02. Review status: criteria provided, single submitter. Criteria: DASA Assertion Criteria. Collection method: clinical testing. Allele origin: germline.
Comment: NM_000051.4(ATM):c.3242A>G (p.Asn1081Ser) is a missense variant that results in the substitution of asparagine with serine. Population frequency is inconsistent with a disease-causing role for this variant. Computational prediction algorithms are consistent with a benign effect. Therefore, based on the currently available evidence, this variant is classified as likely benign.

Labcorp Genetics (formerly Invitae), Labcorp
Classification: Likely benign for Ataxia-telangiectasia syndrome. Last evaluated: 2026-01-28. Review status: criteria provided, single submitter. Criteria: Invitae Variant Classification Sherloc (09022015). Collection method: clinical testing. Allele origin: germline.

Center for Genomic Medicine, Rigshospitalet, Copenhagen University Hospital
Classification: Likely benign. Last evaluated: 2025-12-29. Review status: criteria provided, single submitter. Criteria: ACMG Guidelines, 2015. Collection method: clinical testing. Allele origin: germline.
Comment: Classification criteria: BS1, BP4

Women's Health and Genetics/Laboratory Corporation of America, LabCorp
Classification: Likely benign. Last evaluated: 2024-11-11. Review status: criteria provided, single submitter. Criteria: LabCorp Variant Classification Summary - May 2015. Collection method: clinical testing. Allele origin: germline.
Comment: Variant summary: ATM c.3242A>G (p.Asn1081Ser) results in a conservative amino acid change in the encoded protein sequence. Five of five in-silico tools predict a benign effect of the variant on protein function. The variant allele was found at a frequency of 0.00019 in 251266 control chromosomes, predominantly at a frequency of 0.0013 within the South Asian subpopulation in the gnomAD database. The observed variant frequency within South Asian control individuals in the gnomAD database is approximately 1.3 fold of the estimated maximal expected allele frequency for a pathogenic variant in ATM causing Breast Cancer phenotype (0.001). c.3242A>G has been reported in the literature as with clinical significance assessments ranging from Benign/polymorphism to VUS in unaffected controls and affected individuals in settings of multigene panel testing (example, Jeddane_2012, Momozawa_2018, Fujita_2020, Weitzel_2019). These report(s) do not provide unequivocal conclusions about association of the variant with Breast Cancer. To our knowledge, no experimental evidence demonstrating an impact on protein function has been reported. The following publications have been ascertained in the context of this evaluation (PMID: 23322442, 24325359, 31206626, 33309985). ClinVar contains an entry for this variant (Variation ID: 142046). Based on the evidence outlined above, the variant was classified as likely benign.

Color Diagnostics, LLC DBA Color Health
Classification: Likely benign for Hereditary cancer-predisposing syndrome. Last evaluated: 2024-09-19. Review status: criteria provided, single submitter. Criteria: ACMG Guidelines, 2015. Collection method: clinical testing. Allele origin: germline.

Molecular Pathology, Peter Maccallum Cancer Centre
Classification: Likely benign for Ataxia-telangiectasia syndrome. Last evaluated: 2024-07-23. Review status: criteria provided, single submitter. Criteria: ACMG Guidelines, 2015. Collection method: clinical testing. Allele origin: germline. Inheritance: Autosomal recessive inheritance.

Myriad Genetics, Inc.
Classification: Likely benign for Familial cancer of breast. Last evaluated: 2024-05-14. Review status: criteria provided, single submitter. Criteria: Myriad Autosomal Dominant, Autosomal Recessive and X-Linked Classification Criteria (2023). Collection method: clinical testing. Allele origin: unknown.
Comment: This variant is considered likely benign. This variant is strongly associated with less severe personal and family histories of cancer, typical for individuals without pathogenic variants in this gene [PMID: 25085752].

Blueprint Genetics
Classification: Likely benign. Last evaluated: 2024-03-08. Review status: criteria provided, single submitter. Criteria: ACMG Guidelines, 2015. Collection method: clinical testing. Allele origin: germline.

CHEO Genetics Diagnostic Laboratory, Children's Hospital of Eastern Ontario
Classification: Likely benign for Breast and/or ovarian cancer. Last evaluated: 2022-05-15. Review status: criteria provided, single submitter. Criteria: ACMG Guidelines, 2015. Collection method: clinical testing. Allele origin: germline.

Sema4
Classification: Uncertain significance for Hereditary cancer-predisposing syndrome. Last evaluated: 2022-01-26. Review status: criteria provided, single submitter. Criteria: Sema4 Curation Guidelines. Collection method: curation. Allele origin: germline.
Comment: The ATM c.3242A>G (p.N1081S) variant has been reported in at least 1 individual with ataxia telangiectasia (PMID: 23322442). It has been reported in 3 large case-control studies of breast cancer: in 4/60466 cases and 4/53461 controls (PMID: 33471991), in 1/7051 cases and 1/11241 controls (PMID: 30287823) and in 0/1054 cases and in 1/1199 controls (PMID: 31206626). It has been also reported in control populations of 2 studies of colorectal cancer and chronic lymphocytic leukemia (PMID: 33309985, 28652578). It was observed in 40/30614 chromosomes of the South Asian subpopulation, with no homozygotes, in the large and broad cohorts of the Genome Aggregation Database (PMID: 32461654). This variant has been reported in ClinVar (Variation ID 142046). In silico tools suggest the impact of the variant on protein function is benign, though these predictions have not been confirmed by functional studies. The evidence is insufficient to meet ACMG/AMP criteria for classifying the variant as benign or pathogenic. Thus, the clinical significance of this variant is currently uncertain.

Ambry Genetics
Classification: Likely benign for Hereditary cancer-predisposing syndrome. Last evaluated: 2021-05-03. Review status: criteria provided, single submitter. Criteria: Ambry Variant Classification Scheme 2023. Collection method: clinical testing. Allele origin: germline.

GeneDx
Classification: Uncertain significance. Last evaluated: 2020-12-10. Review status: criteria provided, single submitter. Criteria: GeneDx Variant Classification Process June 2021. Collection method: clinical testing. Allele origin: germline. Affected: yes.
Comment: In silico analysis, which includes protein predictors and evolutionary conservation, supports that this variant does not alter protein structure/function; Observed in an individual with ataxia telangiectasia, co-occurring with unspecified biallelic ATM variants, as well as in individuals with breast cancer (Jeddane 2013, Decker 2017); This variant is associated with the following publications: (PMID: 23322442, 24325359, 28873162, 28779002, 30287823)

Fulgent Genetics
Classification: Uncertain significance for Familial cancer of breast; Ataxia-telangiectasia syndrome. Last evaluated: 2017-05-23. Review status: criteria provided, single submitter. Criteria: ACMG Guidelines, 2015. Collection method: clinical testing. Allele origin: unknown.

Department of Pathology and Laboratory Medicine, Sinai Health System
Classification: Uncertain significance for Malignant tumor of breast. Review status: no assertion criteria provided. Collection method: clinical testing. Allele origin: unknown. Affected: yes. Study: The Canadian Open Genetics Repository (COGR). Not counted in ClinVar's aggregate classification.
Comment: The ATM p.Asn1081Ser variant was identified in 4 of 14140 proband chromosomes (frequency: 0.0003) from Moroccan individuals or families with Ataxia-Telangiectasia and Japanese individuals or families with breast cancer, and was present in 2 of 22482 control chromosomes (frequency: 0.00009) from healthy individuals (Jeddane 2013, Momozawa 2018). The variant was also identified in dbSNP (ID: rs368111672) as "With Uncertain significance allele", and ClinVar (classified as uncertain significance by Invitae, Ambry Genetics, GeneDx, Fulgent Genetics and Integrated Genetics; and likley benign by Color), and LOVD 3.0 (3x as benign). The variant was identified in control databases in 50 of 276988 chromosomes at a frequency of 0.0002 increasing the likelihood this could be a low frequency benign variant (Genome Aggregation Database Feb 27, 2017). The variant was observed in the following populations: African in 1 of 24026 chromosomes (freq: 0.00004), Latino in 3 of 34416 chromosomes (freq: 0.00009), European Non-Finnish in 5 of 126520 chromosomes (freq: 0.00004), and South Asian in 41 of 30780 chromosomes (freq: 0.001) while not observed in the Other, Ashkenazi Jewish, East Asian, or Finnish populations. The p.Asn1081 residue is not conserved in mammals and computational analyses (PolyPhen-2, SIFT, AlignGVGD, BLOSUM, MutationTaster) do not suggest a high likelihood that the variant impacts the protein; however, this information is not predictive enough to rule out pathogenicity. The variant occurs outside of the splicing consensus sequence and 2 of 4 in silico or computational prediction software programs (SpliceSiteFinder, MaxEntScan, NNSPLICE, GeneSplicer) predict a greater than 10% difference in splicing; this is not very predictive of pathogenicity. In summary, based on the above information the clinical significance of this variant cannot be determined with certainty at this time. This variant is classified as a variant of uncertain significance.

Literature cited by the submitters: PubMed 23322442 (cited by Women's Health and Genetics/Laboratory Corporation of America, LabCorp and Sema4); PubMed 24325359 (cited by Women's Health and Genetics/Laboratory Corporation of America, LabCorp); PubMed 31206626 (cited by Women's Health and Genetics/Laboratory Corporation of America, LabCorp and Sema4); PubMed 33309985 (cited by Women's Health and Genetics/Laboratory Corporation of America, LabCorp and Sema4); PubMed 25085752 (cited by Myriad Genetics, Inc.); PubMed 33471991 (cited by Sema4); PubMed 30287823 (cited by Sema4 and Ambry Genetics); PubMed 28652578 (cited by Sema4); PubMed 28779002 (cited by Ambry Genetics).

NM_000051.4(ATM):c.3242A>G (p.Asn1081Ser)

Gene: ATM (ATM serine/threonine kinase; plus strand). Cytogenetic location: 11q22.3.
Variant type: single nucleotide variant.
Coding change: c.3242A>G on transcript NM_000051.4 (MANE Select); coding-DNA position 3242, A replaced by G.
Protein change: p.Asn1081Ser; replaces asparagine 1081 with serine.
Molecular consequence: missense variant.
Genome position (GRCh38, 1-based): chr11:108,272,810, A>G. VCF-style: chr11-108272810-A-G. GRCh37 (hg19) VCF-style: chr11-108143537-A-G.
Other names: p.N1081S:AAT>AGT; c.3242A>G, p.Asn1081Ser (NM_001351834.2); short protein forms N1081S.
Identifiers: ClinVar variation 142046 (VCV000142046.47), dbSNP rs368111672, ClinGen allele CA294246.